The following is an entry in ClinVar:

ClinVar aggregate classification (germline): Uncertain significance (1 of 4 stars; one submission).

Conditions:
Wilson disease (WND). Also called: Wilson's disease. Identifiers: Orphanet 905, MedGen C0019202, MONDO:0010200, OMIM 277900. Disease mechanism: loss of function.

Submission:

Chongqing Key Laboratory of Child Rare Diseases in Infection and Immunity, Children’s Hospital of Chongqing Medical University
Classification: Uncertain significance for Wilson disease. Last evaluated: 2024-01-01. Review status: criteria provided, single submitter. Criteria: ACMG Guidelines, 2015. Collection method: clinical testing. Allele origin: germline. Inheritance: Autosomal recessive inheritance. Affected: yes.
Comment: Classified as Uncertain significance according to the ACMG/AMP 2015 guidelines (PMID:25741868). The classification was based on the available submitted evidence for Wilson disease (OMIM:277900), including clinical-testing observations, variant consequence/protein annotation, and published or ClinVar evidence where available. Supporting information considered: variant annotation: p.Lys1248Glu; Missense; Protein domain: N-domain-enriched; submitted notation: NM_000053.4:c.3742A>G (p.Lys1248Glu); source variant type: Missense; source domain: N-domain-enriched; allele count n=230: 1.

NM_000053.4(ATP7B):c.3742A>G (p.Lys1248Glu)

Gene: ATP7B (ATPase copper transporting beta; minus strand). Cytogenetic location: 13q14.3.
Variant type: single nucleotide variant.
Coding change: c.3742A>G on transcript NM_000053.4 (MANE Select); coding-DNA position 3742, A replaced by G.
Protein change: p.Lys1248Glu; replaces lysine 1248 with glutamic acid.
Molecular consequence: missense variant. On other transcripts: intron variant (1).
Genome position (GRCh38, 1-based): chr13:51,937,637, T>C on the plus strand (A>G on the coding strand, the complement: ATP7B is on the minus strand). VCF-style: chr13-51937637-T-C. GRCh37 (hg19) VCF-style: chr13-52511773-T-C.
Other names: c.3121A>G, p.Lys1041Glu (NM_001005918.3); c.3409A>G, p.Lys1137Glu (NM_001243182.2); c.3508A>G, p.Lys1170Glu (NM_001330578.2, NM_001406527.1, NM_001406528.1); c.3490A>G, p.Lys1164Glu (NM_001330579.2, NM_001406531.1, NM_001406532.1); c.3742A>G, p.Lys1248Glu (NM_001406511.1, NM_001406512.1); c.3736A>G, p.Lys1246Glu (NM_001406513.1); c.3454A>G, p.Lys1152Glu (NM_001406534.1); c.3412A>G, p.Lys1138Glu (NM_001406535.1, NM_001406536.1); and 21 more; short protein forms K1021E, K1032E, K1041E, K1054E, K1084E, K1086E, K1099E, K1105E.
Identifiers: ClinVar variation 4852557 (VCV004852557.1).